The following is an entry in ClinVar:

ClinVar aggregate classification (germline): Uncertain significance (1 of 4 stars; one submission).

Conditions:
Inborn genetic diseases. Identifiers: MedGen C0950123, MeSH D030342.

Submission:

Ambry Genetics
Classification: Uncertain significance for Inborn genetic diseases. Last evaluated: 2021-12-12. Review status: criteria provided, single submitter. Criteria: Ambry Variant Classification Scheme 2023. Collection method: clinical testing. Allele origin: germline.
Comment: The p.I461T variant (also known as c.1382T>C), located in coding exon 6 of the ATR gene, results from a T to C substitution at nucleotide position 1382. The isoleucine at codon 461 is replaced by threonine, an amino acid with similar properties. This amino acid position is conserved. In addition, this alteration is predicted to be tolerated by in silico analysis. Since supporting evidence is limited at this time, the clinical significance of this alteration remains unclear.

NM_001184.4(ATR):c.1382T>C (p.Ile461Thr)

Gene: ATR (ATR checkpoint kinase; minus strand). Cytogenetic location: 3q23.
Variant type: single nucleotide variant.
Coding change: c.1382T>C on transcript NM_001184.4 (MANE Select); coding-DNA position 1382, T replaced by C.
Protein change: p.Ile461Thr; replaces isoleucine 461 with threonine.
Molecular consequence: missense variant. On other transcripts: intron variant (1).
Genome position (GRCh38, 1-based): chr3:142,560,422, A>G on the plus strand (T>C on the coding strand, the complement: ATR is on the minus strand). VCF-style: chr3-142560422-A-G. GRCh37 (hg19) VCF-style: chr3-142279264-A-G.
Other names: c.1349+821T>C (NM_001354579.2); short protein forms I461T.
Identifiers: ClinVar variation 1771324 (VCV001771324.2), dbSNP rs531789554, ClinGen allele CA354823019.